The following is an entry in ClinVar:

NC_000023.10:g.(32632571_32662248)_(32663270_32715986)dup

Gene: DMD (dystrophin; minus strand). Cytogenetic location: Xp21.1.
Variant type: Duplication.
Identifiers: ClinVar variation 3768697 (VCV003768697.1).

ClinVar aggregate classification (germline): Pathogenic (1 of 4 stars; one submission).

Conditions:
Neuromuscular disease caused by qualitative or quantitative defects of dystrophin. Also called: Qualitative or quantitative defects of dystrophin. Identifiers: Orphanet 207085, MedGen C5679787, MONDO:0016147.

Submission:

Women's Health and Genetics/Laboratory Corporation of America, LabCorp
Classification: Pathogenic for Neuromuscular disease caused by qualitative or quantitative defects of dystrophin. Last evaluated: 2025-02-07. Review status: criteria provided, single submitter. Criteria: LabCorp Variant Classification Summary - May 2015. Collection method: clinical testing. Allele origin: germline.
Comment: Variant summary: The variant involves the duplication of exons 10-11 in the DMD gene. It is assumed to be a tandem duplication in direct orientation (PMIDs: 25640679, 30054569). This Copy Number Variant (CNV) is expected to alter the reading frame and predicted to result in a truncation or absence of the encoded protein due to nonsense mediated decay (NMD). A presumed nomenclature of c.(960+1_961-1)_(1331+1_1332-1)dup has been designated for the purposes of this classification. The variant was absent in 16120 control chromosomes (gnomAD). c.(960+1_961-1)_(1331+1_1332-1)dup has been reported in the literature in multiple individuals affected with Duchenne Muscular Dystrophy (e.g. White_2006, del Gaudio_2008, Wang_2017, De Palma_2021, Kong_2024). These data indicate that the variant is very likely to be associated with disease. The following publications have been ascertained in the context of this evaluation (PMID: 18752307, 37822034, 16917894, 28181689, 34679607). ClinVar contains an entry for this variant (Variation ID: 1459488). Based on the evidence outlined above, the variant was classified as pathogenic.

Literature cited by the submitters: PubMed 18752307; PubMed 16917894; PubMed 28181689; PubMed 34679607; PubMed 37822034.